The following is an entry in ClinVar:

ClinVar aggregate classification (germline): Likely pathogenic (1 of 4 stars; one submission).

Conditions:
Cardiovascular phenotype. Identifiers: MedGen CN230736.

Submission:

Ambry Genetics
Classification: Likely pathogenic for Cardiovascular phenotype. Last evaluated: 2026-05-12. Review status: criteria provided, single submitter. Criteria: Ambry Variant Classification Scheme 2023. Collection method: clinical testing. Allele origin: germline.
Comment: The c.27179_27182dupGATA variant, located in coding exon 108 of the TTN gene, results from a duplication of GATA at nucleotide position 27179, causing a translational frameshift with a predicted alternate stop codon (p.Y9061*). This exon is located in the A-band region of the N2-B isoform of the titin protein and is constitutively expressed in TTN transcripts (percent spliced in or PSI 100%). This variant is considered to be rare based on population cohorts in the Genome Aggregation Database (gnomAD). This variant is expected to result in loss of function by premature protein truncation or nonsense-mediated mRNA decay. While truncating variants in TTN are present in 1-3% of the general population, truncating variants in the A-band are the most common cause of dilated cardiomyopathy (Herman DS et al. N. Engl. J. Med., 2012 Feb;366:619-28; Roberts AM et al. Sci Transl Med, 2015 Jan;7:270ra6). TTN truncating variants encoded in constitutive exons (PSI >90%) have been found to be significantly associated with DCM regardless of their position in titin (Schafer S et al. Nat. Genet., 2017 01;49:46-53; Akhtar MM et al. Circ Heart Fail, 2020 Oct;13:e006832; Massier M et al. Clin Genet, 2025 Jan). Based on the majority of available evidence to date, this variant is likely to be pathogenic.

NM_001267550.2(TTN):c.54374_54377dup (p.Tyr18126Ter)

Genes: TTN (titin; minus strand), TTN-AS1 (TTN antisense RNA 1; plus strand). Cytogenetic location: 2q31.2.
Variant type: Duplication.
Coding change: c.54374_54377dup on transcript NM_001267550.2 (MANE Select); coding-DNA positions 54374 to 54377, 4 bases duplicated (GATA; older notation c.54374_54377dupGATA).
Protein change: p.Tyr18126Ter; replaces tyrosine 18126 with a stop codon.
Molecular consequence: nonsense.
Genome position (GRCh38, 1-based): chr2:178,604,712-178,604,715, TATC duplicated on the plus strand (GATA on the coding strand, the reverse complement: TTN is on the minus strand); duplicating any 4 consecutive bases within chr2:178,604,712-178,604,716 gives the same sequence; the c. name uses the placement nearest the transcript's 3' end. VCF-style (leftmost placement, unchanged base first): chr2-178604711-A-ATATC. GRCh37 (hg19) VCF-style: chr2-179469438-A-ATATC.
Other names: c.49451_49454dup, p.Tyr16485Ter (NM_001256850.1); c.27179_27182dup, p.Tyr9061Ter (NM_003319.4); c.46670_46673dup, p.Tyr15558Ter (NM_133378.4); c.27554_27557dup, p.Tyr9186Ter (NM_133432.3); c.27755_27758dup, p.Tyr9253Ter (NM_133437.4); c.27179_27182dupGATA (NM_003319.4); short protein forms Y15558*, Y16485*, Y18126*, Y9061*, Y9186*, Y9253*.
Identifiers: ClinVar variation 4866226 (VCV004866226.1).